The following is an entry in ClinVar:

NM_144599.5(NIPA1):c.901G>A (p.Val301Ile)

Gene: NIPA1 (NIPA magnesium transporter 1; plus strand). Cytogenetic location: 15q11.2.
Variant type: single nucleotide variant.
Coding change: c.901G>A on transcript NM_144599.5 (MANE Select); coding-DNA position 901, G replaced by A.
Protein change: p.Val301Ile; replaces valine 301 with isoleucine.
Molecular consequence: missense variant.
Genome position (GRCh38, 1-based): chr15:22,824,150, G>A. VCF-style: chr15-22824150-G-A. GRCh37 (hg19) VCF-style: chr15-23048918-C-T.
Other names: c.676G>A, p.Val226Ile (NM_001142275.1); short protein forms V226I, V301I.
Identifiers: ClinVar variation 4692094 (VCV004692094.1).

ClinVar aggregate classification (germline): Uncertain significance (1 of 4 stars; one submission).

Conditions:
Hereditary spastic paraplegia 6 (SPG6). Also called: SPASTIC PARAPLEGIA 6, AUTOSOMAL DOMINANT. Identifiers: Orphanet 100988, MedGen C1838192, MONDO:0010878, OMIM 600363.

gnomAD v4.1: 19 of 1,613,524 alleles (0.0012%); highest among the groups gnomAD compares: South Asian, 0.0099%; no homozygotes.

Submission:

Labcorp Genetics (formerly Invitae), Labcorp
Classification: Uncertain significance for Hereditary spastic paraplegia 6. Last evaluated: 2025-07-25. Review status: criteria provided, single submitter. Criteria: Invitae Variant Classification Sherloc (09022015). Collection method: clinical testing. Allele origin: germline.
Comment: This sequence change replaces valine, which is neutral and non-polar, with isoleucine, which is neutral and non-polar, at codon 301 of the NIPA1 protein (p.Val301Ile). This variant is present in population databases (rs561618931, gnomAD 0.01%). This variant has not been reported in the literature in individuals affected with NIPA1-related conditions. This missense change has been observed in at least one individual who was not affected with NIPA1-related conditions (internal data). Invitae Evidence Modeling of protein sequence and biophysical properties (such as structural, functional, and spatial information, amino acid conservation, physicochemical variation, residue mobility, and thermodynamic stability) indicates that this missense variant is expected to disrupt NIPA1 protein function with a positive predictive value of 80%. In summary, the available evidence is currently insufficient to determine the role of this variant in disease. Therefore, it has been classified as a Variant of Uncertain Significance.